The following is an entry in ClinVar:

ClinVar aggregate classification (germline): Uncertain significance (1 of 4 stars; one submission).

Allele frequency attached by ClinVar (database versions not stated): TOPMed below 0.00001.

Submission:

GeneDx
Classification: Uncertain significance. Last evaluated: 2020-12-15. Review status: criteria provided, single submitter. Criteria: GeneDx Variant Classification Process June 2021. Collection method: clinical testing. Allele origin: germline. Affected: yes.
Comment: Not observed in large population cohorts (Lek et al., 2016); In silico analysis supports that this missense variant does not alter protein structure/function; Has not been previously published as pathogenic or benign to our knowledge

NM_015295.3(SMCHD1):c.2823A>G (p.Ile941Met)

Gene: SMCHD1 (structural maintenance of chromosomes flexible hinge domain containing 1; plus strand). Cytogenetic location: 18p11.32.
Variant type: single nucleotide variant.
Coding change: c.2823A>G on transcript NM_015295.3 (MANE Select); coding-DNA position 2823, A replaced by G.
Protein change: p.Ile941Met; replaces isoleucine 941 with methionine.
Molecular consequence: missense variant.
Genome position (GRCh38, 1-based): chr18:2,728,506, A>G. VCF-style: chr18-2728506-A-G. GRCh37 (hg19) VCF-style: chr18-2728504-A-G.
Other names: short protein forms I941M.
Identifiers: ClinVar variation 1304510 (VCV001304510.2), dbSNP rs2075068734, ClinGen allele CA401683215.
Genomic context (GRCh38, chr18:2,728,506, plus strand): 5'-TTTACTGTTAGGTCACCCTCGTCGACTGAAAGTGAAACCTGATTCTGAAATTTTAGTTAT[A>G]GAAAATGGAACAGCTTTCCCATTTCAGGTGGAAGTTTTAGATGAATCAGACAACATAACA-3'
Protein context (NP_056110.2, residues 931-951): KVKPDSEILV[Ile941Met]ENGTAFPFQV